The following is an entry in ClinVar:

NM_007317.3(KIF22):c.1280+3G>A

Gene: KIF22 (kinesin family member 22; plus strand). Cytogenetic location: 16p11.2.
Variant type: single nucleotide variant.
Coding change: c.1280+3G>A on transcript NM_007317.3 (MANE Select); 3 bases into the intron after coding-DNA position 1280, G replaced by A.
Molecular consequence: intron variant.
Genome position (GRCh38, 1-based): chr16:29,800,051, G>A. VCF-style: chr16-29800051-G-A. GRCh37 (hg19) VCF-style: chr16-29811372-G-A.
Other names: c.1076+3G>A (NM_001256269.2, NM_001256270.1).
Identifiers: ClinVar variation 4741227 (VCV004741227.1).

ClinVar aggregate classification (germline): Uncertain significance (1 of 4 stars; one submission).

gnomAD v4.1: 23 of 1,609,110 alleles (0.0014%); highest among the groups gnomAD compares: South Asian, 0.025%; no homozygotes.

Submission:

Labcorp Genetics (formerly Invitae), Labcorp
Classification: Uncertain significance. Last evaluated: 2025-06-03. Review status: criteria provided, single submitter. Criteria: Invitae Variant Classification Sherloc (09022015). Collection method: clinical testing. Allele origin: germline.
Comment: This sequence change falls in intron 8 of the KIF22 gene. It does not directly change the encoded amino acid sequence of the KIF22 protein. It affects a nucleotide within the consensus splice site. This variant is present in population databases (rs780736984, gnomAD 0.03%). This variant has not been reported in the literature in individuals affected with KIF22-related conditions. Variants that disrupt the consensus splice site are a relatively common cause of aberrant splicing (PMID: 17576681, 9536098). Algorithms developed to predict the effect of sequence changes on RNA splicing suggest that this variant is not likely to affect RNA splicing. In summary, the available evidence is currently insufficient to determine the role of this variant in disease. Therefore, it has been classified as a Variant of Uncertain Significance.

Literature cited by the submitters: PubMed 17576681; PubMed 9536098.